The following is an entry in ClinVar:

NM_003400.4(XPO1):c.1704G>T (p.Lys568Asn)

Gene: XPO1 (exportin 1; minus strand). Cytogenetic location: 2p15.
Variant type: single nucleotide variant.
Coding change: c.1704G>T on transcript NM_003400.4 (MANE Select); coding-DNA position 1704, G replaced by T.
Protein change: p.Lys568Asn; replaces lysine 568 with asparagine.
Molecular consequence: missense variant.
Genome position (GRCh38, 1-based): chr2:61,492,344, C>A on the plus strand (G>T on the coding strand, the complement: XPO1 is on the minus strand). VCF-style: chr2-61492344-C-A. GRCh37 (hg19) VCF-style: chr2-61719479-C-A.
Other names: c.1704G>T, p.Lys568Asn (NM_001410799.1); short protein forms K568N.
Identifiers: ClinVar variation 4073401 (VCV004073401.1).

ClinVar aggregate classification (germline): Pathogenic (1 of 4 stars; one submission).

Conditions:
XPO1-associated Neurodevelopmental Disorder.

Submission:

Genome Diagnostics Laboratory, University Medical Center Utrecht
Classification: Pathogenic for XPO1-associated Neurodevelopmental Disorder. Last evaluated: 2025-07-21. Review status: criteria provided, single submitter. Criteria: ACMG Guidelines, 2015. Collection method: research. Allele origin: germline. Affected: yes.
Comment: ACMG/AMP (Richards et al, 2015): PS2, PM2, PP2, PP3